The following is an entry in ClinVar:

NM_013372.7(GREM1):c.157C>G (p.Pro53Ala)

Gene: GREM1 (gremlin 1, DAN family BMP antagonist; plus strand). Cytogenetic location: 15q13.3.
Variant type: single nucleotide variant.
Coding change: c.157C>G on transcript NM_013372.7 (MANE Select); coding-DNA position 157, C replaced by G.
Protein change: p.Pro53Ala; replaces proline 53 with alanine.
Molecular consequence: missense variant. On other transcripts: intron variant (2).
Genome position (GRCh38, 1-based): chr15:32,730,847, C>G. VCF-style: chr15-32730847-C-G. GRCh37 (hg19) VCF-style: chr15-33023048-C-G.
Other names: c.157C>G, p.Pro53Ala (NM_001368719.1); c.114+43C>G (NM_001191323.2); c.28-81C>G (NM_001191322.2); short protein forms P53A.
Identifiers: ClinVar variation 4843325 (VCV004843325.1).

ClinVar aggregate classification (germline): Uncertain significance (1 of 4 stars; one submission).

Conditions:
Hereditary cancer-predisposing syndrome. Also called: Neoplastic Syndromes, Hereditary; Tumor predisposition; Hereditary Cancer Syndrome; Hereditary neoplastic syndrome. Identifiers: Orphanet 140162, MedGen C0027672, MeSH D009386, MONDO:0015356.

Submission:

Ambry Genetics
Classification: Uncertain significance for Hereditary cancer-predisposing syndrome. Last evaluated: 2026-01-03. Review status: criteria provided, single submitter. Criteria: Ambry Variant Classification Scheme 2023. Collection method: clinical testing. Allele origin: germline.
Comment: The p.P53A variant (also known as c.157C>G), located in coding exon 1 of the GREM1 gene, results from a C to G substitution at nucleotide position 157. The proline at codon 53 is replaced by alanine, an amino acid with highly similar properties. This amino acid position is conserved. In addition, this alteration is predicted to be tolerated by in silico analysis. Based on the available evidence, the clinical significance of this variant remains unclear.